The following is an entry in ClinVar:

NM_004725.4(BUB3):c.445C>T (p.Arg149Trp)

Gene: BUB3 (BUB3 mitotic checkpoint protein; plus strand). Cytogenetic location: 10q26.13.
Variant type: single nucleotide variant.
Coding change: c.445C>T on transcript NM_004725.4 (MANE Select); coding-DNA position 445, C replaced by T.
Protein change: p.Arg149Trp; replaces arginine 149 with tryptophan.
Molecular consequence: missense variant.
Genome position (GRCh38, 1-based): chr10:123,160,434, C>T. VCF-style: chr10-123160434-C-T. GRCh37 (hg19) VCF-style: chr10-124919950-C-T.
Other names: c.445C>T, p.Arg149Trp (NM_001007793.3); short protein forms R149W.
Identifiers: ClinVar variation 1740759 (VCV001740759.2), dbSNP rs772501602, ClinGen allele CA5731598.

ClinVar aggregate classification (germline): Uncertain significance (1 of 4 stars; one submission).

Allele frequency attached by ClinVar (database versions not stated): gnomAD 0.00001; ExAC 0.00002.
gnomAD v4.1: 37 of 1,609,888 alleles (0.0023%); highest among the groups gnomAD compares: South Asian, 0.039%; no homozygotes.

Submission:

Ambry Genetics
Classification: Uncertain significance. Last evaluated: 2023-10-16. Review status: criteria provided, single submitter. Criteria: Ambry Variant Classification Scheme 2023. Collection method: clinical testing. Allele origin: germline.
Comment: The p.R149W variant (also known as c.445C>T), located in coding exon 4 of the BUB3 gene, results from a C to T substitution at nucleotide position 445. The arginine at codon 149 is replaced by tryptophan, an amino acid with dissimilar properties. This amino acid position is conserved. In addition, this alteration is predicted to be deleterious by in silico analysis. Since supporting evidence is limited at this time, the clinical significance of this alteration remains unclear.